The following is an entry in ClinVar:

NM_198075.4(LRRC56):c.625-26CCCTCC[2]

Gene: LRRC56 (leucine rich repeat containing 56; plus strand). Cytogenetic location: 11p15.5.
Variant type: Microsatellite.
Coding change: c.625-26CCCTCC[2] on transcript NM_198075.4 (MANE Select); two copies in a row of the 6-base unit CCCTCC starting at c.625-26.
Molecular consequence: intron variant.
Genome position: GRCh38 VCF-style: chr11-551104-TCCCTCC-T. GRCh37 (hg19) VCF-style: chr11-551104-TCCCTCC-T.
Identifiers: ClinVar variation 3044114 (VCV003044114.2), dbSNP rs577182014, ClinGen allele CA5779784.

ClinVar aggregate classification (germline): Likely benign (0 of 4 stars; one submission).

Conditions:
LRRC56-related disorder. Also called: LRRC56-related condition.

Submission:

PreventionGenetics, part of Exact Sciences
Classification: Likely benign for LRRC56-related condition. Last evaluated: 2019-03-06. Review status: no assertion criteria provided. Collection method: clinical testing. Allele origin: germline.
Comment: This variant is classified as likely benign based on ACMG/AMP sequence variant interpretation guidelines (Richards et al. 2015 PMID: 25741868, with internal and published modifications).